The following is an entry in ClinVar:

NM_020738.4(KIDINS220):c.5079_5080del (p.Asn1693fs)

Gene: KIDINS220 (kinase D interacting substrate 220; minus strand). Cytogenetic location: 2p25.1.
Variant type: Deletion.
Coding change: c.5079_5080del on transcript NM_020738.4 (MANE Select); coding-DNA positions 5079 to 5080, 2 bases deleted (CA; older notation c.5079_5080delCA).
Protein change: p.Asn1693fs; shifts the reading frame from asparagine 1693.
Molecular consequence: frameshift variant. On other transcripts: intron variant (6).
Genome position (GRCh38, 1-based): chr2:8,730,956-8,730,957, TG deleted on the plus strand (CA on the coding strand, the reverse complement: KIDINS220 is on the minus strand); deleting any 2 consecutive bases within chr2:8,730,956-8,730,958 gives the same sequence; the c. name uses the placement nearest the transcript's 3' end. VCF-style (leftmost placement, unchanged base first): chr2-8730955-CTG-C. GRCh37 (hg19) VCF-style: chr2-8871085-CTG-C.
Other names: c.5082_5083del, p.Asn1694fs (NM_001348729.2); c.5025_5026del, p.Asn1675fs (NM_001348731.2); c.5022_5023del, p.Asn1674fs (NM_001348732.2); c.4911_4912del, p.Asn1637fs (NM_001348734.2); c.4908_4909del, p.Asn1636fs (NM_001348735.2); c.4782_4783del, p.Asn1594fs (NM_001348736.2); c.3882+2487_3882+2488del (NM_001348741.2, NM_001348742.2, NM_001348743.2); c.3996+2487_3996+2488del (NM_001348738.2); and 1 more; short protein forms N1637fs, N1674fs, N1675fs, N1693fs, N1636fs, N1594fs, N1694fs.
Identifiers: ClinVar variation 430805 (VCV000430805.4), dbSNP rs1131692229, ClinGen allele CA645372498.
Genomic context (GRCh38, chr2:8,730,955, plus strand): 5'-CTCAAAATGACTTGAGAAGTCTCCCTAATTCCCTCCATCTCATCGAAATTTTGATTGGCT[CTG>C]TTGGCTGGAGCACTATTGTTGTTCAGAGTCACGGTGCTGGGAGTTCGGTTCAGGTTGTAG-3'

ClinVar aggregate classification (germline): Uncertain significance. Review status: criteria provided, multiple submitters, no conflicts (2 of 4 stars). 2 submissions from 2 submitters: Uncertain significance (2). Last evaluated 2026-01-29.

Conditions:
Spastic paraplegia, intellectual disability, nystagmus, and obesity. Also called: Spastic paraplegia, intellectual disability, nystagmus, and obesity;. Identifiers: Orphanet 521390, MedGen C4284592, MONDO:0015007, OMIM 617296.

Submissions (2):

Labcorp Genetics (formerly Invitae), Labcorp
Classification: Uncertain significance. Last evaluated: 2026-01-29. Review status: criteria provided, single submitter. Criteria: Invitae Variant Classification Sherloc (09022015). Collection method: clinical testing. Allele origin: germline.
Comment: This sequence change creates a premature translational stop signal (p.Asn1693Lysfs*8) in the KIDINS220 gene. While this is not anticipated to result in nonsense mediated decay, it is expected to disrupt the last 79 amino acid(s) of the KIDINS220 protein. This variant is not present in population databases (gnomAD no frequency). This premature translational stop signal has been observed in individual(s) with SINO syndrome (PMID: 39033379). ClinVar contains an entry for this variant (Variation ID: 430805). Experimental studies and prediction algorithms are not available or were not evaluated, and the functional significance of this variant is currently unknown. In summary, the available evidence is currently insufficient to determine the role of this variant in disease. Therefore, it has been classified as a Variant of Uncertain Significance.

HudsonAlpha Institute for Biotechnology
Classification: Uncertain significance for Spastic paraplegia, intellectual disability, nystagmus, and obesity. Last evaluated: 2023-03-31. Review status: criteria provided, single submitter. Criteria: HA_PGEN_assertions_20170620. Collection method: research. Allele origin: unknown. Affected: yes. Observed: 1 variant allele.

Literature cited by the submitters: PubMed 39033379 (cited by Labcorp Genetics (formerly Invitae), Labcorp).